The following is an entry in ClinVar:

NM_001170535.3(ATAD3A):c.876G>A (p.Thr292=)

Gene: ATAD3A (ATPase family AAA domain containing 3A; plus strand). Cytogenetic location: 1p36.33.
Variant type: single nucleotide variant.
Coding change: c.876G>A on transcript NM_001170535.3 (MANE Select); coding-DNA position 876, G replaced by A.
Protein change: p.Thr292=; no amino-acid change (threonine 292 retained).
Molecular consequence: synonymous variant.
Genome position (GRCh38, 1-based): chr1:1,522,869, G>A. VCF-style: chr1-1522869-G-A. GRCh37 (hg19) VCF-style: chr1-1458249-G-A.
Other names: c.639G>A, p.Thr213= (NM_001170536.3); c.1020G>A, p.Thr340= (NM_018188.5).
Identifiers: ClinVar variation 4537061 (VCV004537061.1).

ClinVar aggregate classification (germline): Benign (1 of 4 stars; one submission).

gnomAD v4.1: 396 of 1,609,484 alleles (0.025%); highest among the groups gnomAD compares: African/African-American, 0.48%; 10 homozygotes.

Submission:

Women's Health and Genetics/Laboratory Corporation of America, LabCorp
Classification: Benign. Last evaluated: 2025-11-26. Review status: criteria provided, single submitter. Criteria: LabCorp Variant Classification Summary - May 2015. Collection method: clinical testing. Allele origin: germline.
Comment: Variant summary: ATAD3A c.876G>A alters a conserved nucleotide resulting in a synonymous change. Consensus agreement among computation tools predict no significant impact on normal splicing. However, these predictions have yet to be confirmed by functional studies. The variant allele was found at a frequency of 0.00042 in 243260 control chromosomes in the gnomAD database, including 6 homozygotes. The observed variant frequency exceeds the estimated maximal expected allele frequency for disease-causing variants in ATAD3A. To our knowledge, no occurrence of c.876G>A in individuals affected with ATAD3A-related conditions and no experimental evidence demonstrating its impact on protein function have been reported. No submitters have cited clinical-significance assessments for this variant to ClinVar. Based on the evidence outlined above, the variant was classified as benign.